The following is an entry in ClinVar:

NM_001134363.3(RBM20):c.2240A>G (p.His747Arg)

Gene: RBM20 (RNA binding motif protein 20; plus strand). Cytogenetic location: 10q25.2.
Variant type: single nucleotide variant.
Coding change: c.2240A>G on transcript NM_001134363.3 (MANE Select); coding-DNA position 2240, A replaced by G.
Protein change: p.His747Arg; replaces histidine 747 with arginine.
Molecular consequence: missense variant.
Genome position (GRCh38, 1-based): chr10:110,812,637, A>G. VCF-style: chr10-110812637-A-G. GRCh37 (hg19) VCF-style: chr10-112572395-A-G.
Other names: short protein forms H747R.
Identifiers: ClinVar variation 3363443 (VCV003363443.1).

ClinVar aggregate classification (germline): Uncertain significance (1 of 4 stars; one submission).

Submission:

GeneDx
Classification: Uncertain significance. Last evaluated: 2023-10-26. Review status: criteria provided, single submitter. Criteria: GeneDx Variant Classification Process June 2021. Collection method: clinical testing. Allele origin: germline. Affected: yes.
Comment: Not observed at significant frequency in large population cohorts (gnomAD); In silico analysis supports that this missense variant has a deleterious effect on protein structure/function; Has not been previously published as pathogenic or benign to our knowledge